The following is an entry in ClinVar:

ClinVar aggregate classification (germline): Conflicting classifications of pathogenicity. Review status: criteria provided, conflicting classifications (1 of 4 stars). 3 submissions from 3 submitters: Uncertain significance (2); Likely benign (1). Last evaluated 2025-12-04.

Conditions:
Inborn genetic diseases. Identifiers: MedGen C0950123, MeSH D030342.

Allele frequency attached by ClinVar (database versions not stated): gnomAD exomes below 0.00001; ExAC 0.00001; TOPMed 0.00001.

Submissions (3):

Ambry Genetics
Classification: Likely benign for Inborn genetic diseases. Last evaluated: 2025-12-04. Review status: criteria provided, single submitter. Criteria: Ambry Variant Classification Scheme 2023. Collection method: clinical testing. Allele origin: germline.

Labcorp Genetics (formerly Invitae), Labcorp
Classification: Uncertain significance. Last evaluated: 2024-11-11. Review status: criteria provided, single submitter. Criteria: Invitae Variant Classification Sherloc (09022015). Collection method: clinical testing. Allele origin: germline.
Comment: This sequence change replaces histidine, which is basic and polar, with tyrosine, which is neutral and polar, at codon 313 of the SAMD9L protein (p.His313Tyr). This variant is present in population databases (rs774780933, gnomAD 0.003%). This variant has not been reported in the literature in individuals affected with SAMD9L-related conditions. ClinVar contains an entry for this variant (Variation ID: 2577684). An algorithm developed to predict the effect of missense changes on protein structure and function outputs the following: PolyPhen-2: "Benign". The tyrosine amino acid residue is found in multiple mammalian species, which suggests that this missense change does not adversely affect protein function. In summary, the available evidence is currently insufficient to determine the role of this variant in disease. Therefore, it has been classified as a Variant of Uncertain Significance.

GeneDx
Classification: Uncertain significance. Last evaluated: 2023-02-27. Review status: criteria provided, single submitter. Criteria: GeneDx Variant Classification Process June 2021. Collection method: clinical testing. Allele origin: germline. Affected: yes.
Comment: Not observed at significant frequency in large population cohorts (gnomAD); In silico analysis supports that this missense variant does not alter protein structure/function; Has not been previously published as pathogenic or benign to our knowledge; This variant is associated with the following publications: (PMID: 28545555)

NM_152703.5(SAMD9L):c.937C>T (p.His313Tyr)

Gene: SAMD9L (sterile alpha motif domain containing 9 like; minus strand). Cytogenetic location: 7q21.2.
Variant type: single nucleotide variant.
Coding change: c.937C>T on transcript NM_152703.5 (MANE Select); coding-DNA position 937, C replaced by T.
Protein change: p.His313Tyr; replaces histidine 313 with tyrosine.
Molecular consequence: missense variant.
Genome position (GRCh38, 1-based): chr7:93,135,035, G>A on the plus strand (C>T on the coding strand, the complement: SAMD9L is on the minus strand). VCF-style: chr7-93135035-G-A. GRCh37 (hg19) VCF-style: chr7-92764348-G-A.
Other names: c.937C>T (NM_152703.2); c.937C>T, p.His313Tyr (NM_001303496.3, NM_001303497.3, NM_001303498.3 and 5 more transcripts); short protein forms H313Y.
Identifiers: ClinVar variation 2577684 (VCV002577684.5), dbSNP rs774780933, ClinGen allele CA4343792.